The following is an entry in ClinVar:

NM_001287.6(CLCN7):c.2114G>A (p.Arg705His)

Gene: CLCN7 (chloride voltage-gated channel 7; minus strand). Cytogenetic location: 16p13.3.
Variant type: single nucleotide variant.
Coding change: c.2114G>A on transcript NM_001287.6 (MANE Select); coding-DNA position 2114, G replaced by A.
Protein change: p.Arg705His; replaces arginine 705 with histidine.
Molecular consequence: missense variant.
Genome position (GRCh38, 1-based): chr16:1,447,528, C>T on the plus strand (G>A on the coding strand, the complement: CLCN7 is on the minus strand). VCF-style: chr16-1447528-C-T. GRCh37 (hg19) VCF-style: chr16-1497529-C-T.
Other names: c.2042G>A, p.Arg681His (NM_001114331.3); short protein forms R681H, R705H.
Identifiers: ClinVar variation 3145429 (VCV003145429.3), dbSNP rs370865246, ClinGen allele CA276668081.

ClinVar aggregate classification (germline): Uncertain significance. Review status: criteria provided, multiple submitters, no conflicts (2 of 4 stars). 2 submissions from 2 submitters: Uncertain significance (2). Last evaluated 2024-11-16.

Conditions:
Inborn genetic diseases. Identifiers: MedGen C0950123, MeSH D030342.

Allele frequency attached by ClinVar (database versions not stated): gnomAD 0.00001; gnomAD exomes 0.00001; TOPMed 0.00001; ESP Exome Variant Server 0.00008.
gnomAD v4.1: 15 of 1,555,486 alleles (0.00096%); highest among the groups gnomAD compares: East Asian, 0.0073%; no homozygotes.

Submissions (2):

Labcorp Genetics (formerly Invitae), Labcorp
Classification: Uncertain significance. Last evaluated: 2024-11-16. Review status: criteria provided, single submitter. Criteria: Invitae Variant Classification Sherloc (09022015). Collection method: clinical testing. Allele origin: germline.
Comment: This sequence change replaces arginine, which is basic and polar, with histidine, which is basic and polar, at codon 705 of the CLCN7 protein (p.Arg705His). The frequency data for this variant in the population databases is considered unreliable, as metrics indicate poor data quality at this position in the gnomAD database. This variant has not been reported in the literature in individuals affected with CLCN7-related conditions. ClinVar contains an entry for this variant (Variation ID: 3145429). An algorithm developed to predict the effect of missense changes on protein structure and function (PolyPhen-2) suggests that this variant is likely to be tolerated. In summary, the available evidence is currently insufficient to determine the role of this variant in disease. Therefore, it has been classified as a Variant of Uncertain Significance.

Ambry Genetics
Classification: Uncertain significance for Inborn genetic diseases. Last evaluated: 2024-01-08. Review status: criteria provided, single submitter. Criteria: Ambry Variant Classification Scheme 2023. Collection method: clinical testing. Allele origin: germline.